The following is an entry in ClinVar:

ClinVar aggregate classification (germline): Uncertain significance (1 of 4 stars; one submission).

Conditions:
Tuberous sclerosis 2 (TSC2). Identifiers: Orphanet 805, MedGen C1860707, MONDO:0013199, OMIM 613254.

Submission:

Labcorp Genetics (formerly Invitae), Labcorp
Classification: Uncertain significance for Tuberous sclerosis 2. Last evaluated: 2025-02-03. Review status: criteria provided, single submitter. Criteria: Invitae Variant Classification Sherloc (09022015). Collection method: clinical testing. Allele origin: germline.
Comment: This variant, c.5157_5165dup, results in the insertion of 32 amino acid(s) of the TSC2 protein (p.Ala1722_Ser1723insX[32]), but otherwise preserves the integrity of the reading frame. This variant is not present in population databases (gnomAD no frequency). This variant has not been reported in the literature in individuals affected with TSC2-related conditions. Algorithms developed to predict the effect of sequence changes on RNA splicing suggest that this variant may disrupt the consensus splice site. In summary, the available evidence is currently insufficient to determine the role of this variant in disease. Therefore, it has been classified as a Variant of Uncertain Significance.

NM_000548.5(TSC2):c.5160_5161insGTGAGTGGGGGTGGGTCCAGGCGTGAGCTGGTGGGACAGGCCCAGGTGCCACCTGATAGTGAGCTCACCCCCTGCCTACGTCCCCAGATGGCAAATGTGAGTGGGGGTGGGTCCAGGCGTGAGCTGGTGGGACAGGCCCAGGTGCCACCTGATAGTGAGCTCACCCCCTGCCTACGTCCCCAG (p.Asn1720_Met1721insValSerGlyGlyGlySerArgArgGluLeuValGlyGlnAlaGlnValProProAspSerGluLeuThrProCysLeuArgProGlnMetAlaAsnValSerGlyGlyGlySerArgArgGluLeuValGlyGlnAlaGlnValProProAspSerGluLeuThrProCysLeuArgProGln)

Gene: TSC2 (TSC complex subunit 2; plus strand). Cytogenetic location: 16p13.3.
Variant type: Duplication.
Coding change: c.5160_5161insGTGAGTGGGGGTGGGTCCAGGCGTGAGCTGGTGGGACAGGCCCAGGTGCCACCTGATAGTGAGCTCACCCCCTGCCTACGTCCCCAGATGGCAAATGTGAGTGGGGGTGGGTCCAGGCGTGAGCTGGTGGGACAGGCCCAGGTGCCACCTGATAGTGAGCTCACCCCCTGCCTACGTCCCCAG on transcript NM_000548.5 (MANE Select); coding-DNA positions 5160 to 5161, GTGAGTGGGGGTGGGTCCAGGCGTGAGCTGGTGGGACAGGCCCAGGTGCCACCTGATAGTGAGCTCACCCCCTGCCTACGTCCCCAGATGGCAAATGTGAGTGGGGGTGGGTCCAGGCGTGAGCTGGTGGGACAGGCCCAGGTGCCACCTGATAGTGAGCTCACCCCCTGCCTACGTCCCCAG inserted.
Protein change: p.Asn1720_Met1721insValSerGlyGlyGlySerArgArgGluLeuValGlyGlnAlaGlnValProProAspSerGluLeuThrProCysLeuArgProGlnMetAlaAsnValSerGlyGlyGlySerArgArgGluLeuValGlyGlnAlaGlnValProProAspSerGluLeuThrProCysLeuArgProGln.
Molecular consequence: splice acceptor variant, splice donor variant, inframe insertion. On other transcripts: non-coding transcript variant (5).
Genome position: GRCh38: chr16:2,088,136-2,088,231. GRCh37 (hg19): chr16:2,138,137-2,138,232.
Other names: c.5031_5032insGTGAGTGGGGGTGGGTCCAGGCGTGAGCTGGTGGGACAGGCCCAGGTGCCACCTGATAGTGAGCTCACCCCCTGCCTACGTCCCCAGATGGCAAATGTGAGTGGGGGTGGGTCCAGGCGTGAGCTGGTGGGACAGGCCCAGGTGCCACCTGATAGTGAGCTCACCCCCTGCCTACGTCCCCAG, p.Asn1677_Met1678insValSerGlyGlyGlySerArgArgGluLeuValGlyGlnAlaGlnValProProAspSerGluLeuThrProCysLeuArgProGlnMetAlaAsnValSerGlyGlyGlySerArgArgGluLeuValGlyGlnAlaGlnValProProAspSerGluLeuThrProCysLeuArgProGln (NM_021055.3); c.5028_5032-8dup (NM_001370405.1); c.4959_4960insGTGAGTGGGGGTGGGTCCAGGCGTGAGCTGGTGGGACAGGCCCAGGTGCCACCTGATAGTGAGCTCACCCCCTGCCTACGTCCCCAGATGGCAAATGTGAGTGGGGGTGGGTCCAGGCGTGAGCTGGTGGGACAGGCCCAGGTGCCACCTGATAGTGAGCTCACCCCCTGCCTACGTCCCCAG, p.Asn1653_Met1654insValSerGlyGlyGlySerArgArgGluLeuValGlyGlnAlaGlnValProProAspSerGluLeuThrProCysLeuArgProGlnMetAlaAsnValSerGlyGlyGlySerArgArgGluLeuValGlyGlnAlaGlnValProProAspSerGluLeuThrProCysLeuArgProGln (NM_001077183.3); c.5091_5092insGTGAGTGGGGGTGGGTCCAGGCGTGAGCTGGTGGGACAGGCCCAGGTGCCACCTGATAGTGAGCTCACCCCCTGCCTACGTCCCCAGATGGCAAATGTGAGTGGGGGTGGGTCCAGGCGTGAGCTGGTGGGACAGGCCCAGGTGCCACCTGATAGTGAGCTCACCCCCTGCCTACGTCCCCAG, p.Asn1697_Met1698insValSerGlyGlyGlySerArgArgGluLeuValGlyGlnAlaGlnValProProAspSerGluLeuThrProCysLeuArgProGlnMetAlaAsnValSerGlyGlyGlySerArgArgGluLeuValGlyGlnAlaGlnValProProAspSerGluLeuThrProCysLeuArgProGln (NM_001114382.3); c.4851_4852insGTGAGTGGGGGTGGGTCCAGGCGTGAGCTGGTGGGACAGGCCCAGGTGCCACCTGATAGTGAGCTCACCCCCTGCCTACGTCCCCAGATGGCAAATGTGAGTGGGGGTGGGTCCAGGCGTGAGCTGGTGGGACAGGCCCAGGTGCCACCTGATAGTGAGCTCACCCCCTGCCTACGTCCCCAG, p.Asn1617_Met1618insValSerGlyGlyGlySerArgArgGluLeuValGlyGlnAlaGlnValProProAspSerGluLeuThrProCysLeuArgProGlnMetAlaAsnValSerGlyGlyGlySerArgArgGluLeuValGlyGlnAlaGlnValProProAspSerGluLeuThrProCysLeuArgProGln (NM_001318827.2); c.4815_4816insGTGAGTGGGGGTGGGTCCAGGCGTGAGCTGGTGGGACAGGCCCAGGTGCCACCTGATAGTGAGCTCACCCCCTGCCTACGTCCCCAGATGGCAAATGTGAGTGGGGGTGGGTCCAGGCGTGAGCTGGTGGGACAGGCCCAGGTGCCACCTGATAGTGAGCTCACCCCCTGCCTACGTCCCCAG, p.Asn1605_Met1606insValSerGlyGlyGlySerArgArgGluLeuValGlyGlnAlaGlnValProProAspSerGluLeuThrProCysLeuArgProGlnMetAlaAsnValSerGlyGlyGlySerArgArgGluLeuValGlyGlnAlaGlnValProProAspSerGluLeuThrProCysLeuArgProGln (NM_001318829.2); c.4428_4429insGTGAGTGGGGGTGGGTCCAGGCGTGAGCTGGTGGGACAGGCCCAGGTGCCACCTGATAGTGAGCTCACCCCCTGCCTACGTCCCCAGATGGCAAATGTGAGTGGGGGTGGGTCCAGGCGTGAGCTGGTGGGACAGGCCCAGGTGCCACCTGATAGTGAGCTCACCCCCTGCCTACGTCCCCAG, p.Asn1476_Met1477insValSerGlyGlyGlySerArgArgGluLeuValGlyGlnAlaGlnValProProAspSerGluLeuThrProCysLeuArgProGlnMetAlaAsnValSerGlyGlyGlySerArgArgGluLeuValGlyGlnAlaGlnValProProAspSerGluLeuThrProCysLeuArgProGln (NM_001318831.2); c.4992_4993insGTGAGTGGGGGTGGGTCCAGGCGTGAGCTGGTGGGACAGGCCCAGGTGCCACCTGATAGTGAGCTCACCCCCTGCCTACGTCCCCAGATGGCAAATGTGAGTGGGGGTGGGTCCAGGCGTGAGCTGGTGGGACAGGCCCAGGTGCCACCTGATAGTGAGCTCACCCCCTGCCTACGTCCCCAG, p.Asn1664_Met1665insValSerGlyGlyGlySerArgArgGluLeuValGlyGlnAlaGlnValProProAspSerGluLeuThrProCysLeuArgProGlnMetAlaAsnValSerGlyGlyGlySerArgArgGluLeuValGlyGlnAlaGlnValProProAspSerGluLeuThrProCysLeuArgProGln (NM_001318832.2); and 27 more.
Identifiers: ClinVar variation 4712292 (VCV004712292.1).